The following is an entry in ClinVar:

ClinVar aggregate classification (germline): Uncertain significance. Review status: criteria provided, single submitter (1 of 4 stars). 2 submissions from 2 submitters: Uncertain significance (1). 1 of the submissions does not count toward it. Last evaluated 2022-05-05.

Conditions:
Inborn genetic diseases. Identifiers: MedGen C0950123, MeSH D030342.
DYRK1B-related disorder. Also called: DYRK1B-related condition.

Allele frequency attached by ClinVar (database versions not stated): ExAC 0.00001; gnomAD 0.00001; gnomAD exomes 0.00001; TOPMed 0.00001.

Submissions (2):

Ambry Genetics
Classification: Uncertain significance for Inborn genetic diseases. Last evaluated: 2022-05-05. Review status: criteria provided, single submitter. Criteria: Ambry Variant Classification Scheme 2023. Collection method: clinical testing. Allele origin: germline.

PreventionGenetics, part of Exact Sciences
Classification: Uncertain significance for DYRK1B-related condition. Last evaluated: 2024-08-05. Review status: no assertion criteria provided. Collection method: clinical testing. Allele origin: germline. Not counted in ClinVar's aggregate classification.
Comment: The DYRK1B c.1073G>A variant is predicted to result in the amino acid substitution p.Arg358Gln. This variant was reported in an individual with obesity and the functional studies showed this variant had a significantly decreased effect on Wnt signaling through luciferase assays (Folon et al. 2024. PubMed ID: 38170957). This variant is reported in 0.020% of alleles in individuals of East Asian descent in gnomAD. Although we suspect that this variant may be pathogenic, at this time, the clinical significance of this variant is uncertain due to the absence of conclusive functional and genetic evidence.

NM_004714.3(DYRK1B):c.1073G>A (p.Arg358Gln)

Gene: DYRK1B (dual specificity tyrosine phosphorylation regulated kinase 1B; minus strand). Cytogenetic location: 19q13.2.
Variant type: single nucleotide variant.
Coding change: c.1073G>A on transcript NM_004714.3 (MANE Select); coding-DNA position 1073, G replaced by A.
Protein change: p.Arg358Gln; replaces arginine 358 with glutamine.
Molecular consequence: missense variant.
Genome position (GRCh38, 1-based): chr19:39,827,307, C>T on the plus strand (G>A on the coding strand, the complement: DYRK1B is on the minus strand). VCF-style: chr19-39827307-C-T. GRCh37 (hg19) VCF-style: chr19-40317947-C-T.
Other names: c.1073G>A, p.Arg358Gln (NM_006483.3, NM_006484.3); c.1073G>A (NM_004714.2); short protein forms R358Q.
Identifiers: ClinVar variation 2224355 (VCV002224355.3), dbSNP rs761527610, ClinGen allele CA9434129.